The following is an entry in ClinVar:

ClinVar aggregate classification (germline): Conflicting classifications of pathogenicity. Review status: criteria provided, conflicting classifications (1 of 4 stars). 3 submissions from 3 submitters: Likely pathogenic (1); Uncertain significance (2). Last evaluated 2023-08-30.

Conditions:
GATA2 deficiency with susceptibility to MDS/AML. Identifiers: MedGen CN300066, MONDO:0042982.
Deafness-lymphedema-leukemia syndrome. Also called: Emberger syndrome; Lymphedema, primary, with myelodysplasia. Identifiers: Orphanet 3226, MedGen C3279664, MONDO:0013540, OMIM 614038.
Monocytopenia with susceptibility to infections. Also called: GATA2 DEFICIENCY; IMMUNODEFICIENCY 21; MONOCYTOPENIA AND MYCOBACTERIAL INFECTION SYNDROME; MONOCYTOPENIA WITH SUSCEPTIBILITY TO MYCOBACTERIAL, FUNGAL, AND PAPILLOMAVIRUS INFECTIONS AND MYELODYSPLASIA; COMBINED IMMUNODEFICIENCY WITH SUSCEPTIBILITY TO MYCOBACTERIAL, VIRAL, AND FUNGAL INFECTIONS; Dendritic cell, monocyte, B lymphocyte, and natural killer lymphocyte deficiency. Identifiers: Orphanet 228423, MedGen C3280030, MONDO:0013607, OMIM 614172.

Allele frequency attached by ClinVar (database versions not stated): gnomAD exomes below 0.00001.
gnomAD v4.1: 1 of 1,613,748 alleles (0.000062%); highest among the groups gnomAD compares: Non-Finnish European, 0.000085%; no homozygotes.

Submissions (3):

Labcorp Genetics (formerly Invitae), Labcorp
Classification: Uncertain significance for Monocytopenia with susceptibility to infections; Deafness-lymphedema-leukemia syndrome. Last evaluated: 2023-08-30. Review status: criteria provided, single submitter. Criteria: Invitae Variant Classification Sherloc (09022015). Collection method: clinical testing. Allele origin: germline.
Comment: In summary, the available evidence is currently insufficient to determine the role of this variant in disease. Therefore, it has been classified as a Variant of Uncertain Significance. Advanced modeling of protein sequence and biophysical properties (such as structural, functional, and spatial information, amino acid conservation, physicochemical variation, residue mobility, and thermodynamic stability) has been performed at Invitae for this missense variant, however the output from this modeling did not meet the statistical confidence thresholds required to predict the impact of this variant on GATA2 protein function. ClinVar contains an entry for this variant (Variation ID: 1184202). This missense change has been observed in individual(s) with GATA2-related conditions (PMID: 23223431). This variant is not present in population databases (gnomAD no frequency). This sequence change replaces methionine, which is neutral and non-polar, with valine, which is neutral and non-polar, at codon 388 of the GATA2 protein (p.Met388Val).

GeneDx
Classification: Uncertain significance. Last evaluated: 2023-05-23. Review status: criteria provided, single submitter. Criteria: GeneDx Variant Classification Process June 2021. Collection method: clinical testing. Allele origin: germline. Affected: yes.
Comment: Not observed at significant frequency in large population cohorts (gnomAD); In silico analysis supports that this missense variant has a deleterious effect on protein structure/function; This variant is associated with the following publications: (PMID: 34387894, 29724903, 23223431)

Molecular Pathology Research Laboratory, SA Pathology
Classification: Likely pathogenic for GATA2 deficiency with susceptibility to MDS/AML; Deafness-lymphedema-leukemia syndrome. Last evaluated: 2021-07-06. Review status: criteria provided, single submitter. Criteria: ACMG Guidelines, 2015. Collection method: curation. Allele origin: germline. Inheritance: Autosomal dominant inheritance. Affected: yes. Observed: 2 variant alleles.
Comment: PS4_Moderate, PM1, PM2, PM5, PP3

Literature cited by the submitters: PubMed 23223431 (cited by Labcorp Genetics (formerly Invitae), Labcorp and Molecular Pathology Research Laboratory, SA Pathology); PubMed 29724903 (cited by Molecular Pathology Research Laboratory, SA Pathology).

NM_032638.5(GATA2):c.1162A>G (p.Met388Val)

Gene: GATA2 (GATA binding protein 2; minus strand). Cytogenetic location: 3q21.3.
Variant type: single nucleotide variant.
Coding change: c.1162A>G on transcript NM_032638.5 (MANE Select); coding-DNA position 1162, A replaced by G.
Protein change: p.Met388Val; replaces methionine 388 with valine.
Molecular consequence: missense variant.
Genome position (GRCh38, 1-based): chr3:128,481,300, T>C on the plus strand (A>G on the coding strand, the complement: GATA2 is on the minus strand). VCF-style: chr3-128481300-T-C. GRCh37 (hg19) VCF-style: chr3-128200143-T-C.
Other names: c.1162A>G, p.Met388Val (NM_001145661.2); c.1120A>G, p.Met374Val (NM_001145662.1); c.1162A>G (NM_032638.4); short protein forms M374V, M388V.
Identifiers: ClinVar variation 1184202 (VCV001184202.5), dbSNP rs2107668104, ClinGen allele CA354413352.